The following is an entry in ClinVar:

NM_001161352.2(KCNMA1):c.3578C>T (p.Ser1193Phe)

Gene: KCNMA1 (potassium calcium-activated channel subfamily M alpha 1; minus strand). Cytogenetic location: 10q22.3.
Variant type: single nucleotide variant.
Coding change: c.3578C>T on transcript NM_001161352.2 (MANE Select); coding-DNA position 3578, C replaced by T.
Protein change: p.Ser1193Phe; replaces serine 1193 with phenylalanine.
Molecular consequence: missense variant.
Genome position (GRCh38, 1-based): chr10:76,887,399, G>A on the plus strand (C>T on the coding strand, the complement: KCNMA1 is on the minus strand). VCF-style: chr10-76887399-G-A. GRCh37 (hg19) VCF-style: chr10-78647157-G-A.
Other names: c.3416C>T, p.Ser1139Phe (NM_001014797.3); c.3527C>T, p.Ser1176Phe (NM_001161353.2); c.3254C>T, p.Ser1085Phe (NM_001271518.2); c.3494C>T, p.Ser1165Phe (NM_001271519.2); c.3413C>T, p.Ser1138Phe (NM_001322829.2, NM_001322836.2); c.3506C>T, p.Ser1169Phe (NM_001322830.2); c.3404C>T, p.Ser1135Phe (NM_001322832.2, NM_002247.4); c.3497C>T, p.Ser1166Phe (NM_001322835.2, NM_001322837.2); and 1 more; short protein forms S1085F, S1139F, S1165F, S984F, S1138F, S1166F, S1169F, S1193F.
Identifiers: ClinVar variation 943004 (VCV000943004.11), dbSNP rs777595748, ClinGen allele CA5567810.
Genomic context (GRCh38, chr10:76,887,399, plus strand): 5'-GCTGTGGATGGGATGGAGTGAACAGAGGAGCTCTTCTTGCTGGAGGACTGCGACGAGTGG[G>A]AGGAATGGGACAGGCTGGCCCGGGACTGGCCGGCATTGTGGTCAAACTGCATTAAGCAGA-3'
Protein context (NP_001154824.1, residues 1183-1203): GQSRASLSHS[Ser1193Phe]HSSQSSSKKS

ClinVar aggregate classification (germline): Uncertain significance. Review status: criteria provided, multiple submitters, no conflicts (2 of 4 stars). 2 submissions from 2 submitters: Uncertain significance (2). Last evaluated 2025-01-21.

Conditions:
Generalized epilepsy-paroxysmal dyskinesia syndrome (PNKD3). Also called: Paroxysmal nonkinesigenic dyskinesia, 3, with or without generalized epilepsy; Generalized epilepsy and paroxysmal dyskinesia. Identifiers: Orphanet 79137, MedGen C5574945, MONDO:0012276, OMIM 609446.

Allele frequency attached by ClinVar (database versions not stated): gnomAD exomes below 0.00001 and 0.00001; ExAC 0.00001; TOPMed below 0.00001.
gnomAD v4.1: 4 of 1,614,194 alleles (0.00025%); highest among the groups gnomAD compares: Admixed American, 0.005%; no homozygotes.

Submissions (2):

GeneDx
Classification: Uncertain significance. Last evaluated: 2025-01-21. Review status: criteria provided, single submitter. Criteria: GeneDx Variant Classification Process June 2021. Collection method: clinical testing. Allele origin: germline. Affected: yes.
Comment: In silico analysis supports that this missense variant has a deleterious effect on protein structure/function; Has not been previously published as pathogenic or benign to our knowledge

Labcorp Genetics (formerly Invitae), Labcorp
Classification: Uncertain significance for Generalized epilepsy-paroxysmal dyskinesia syndrome. Last evaluated: 2023-01-30. Review status: criteria provided, single submitter. Criteria: Invitae Variant Classification Sherloc (09022015). Collection method: clinical testing. Allele origin: germline.
Comment: In summary, the available evidence is currently insufficient to determine the role of this variant in disease. Therefore, it has been classified as a Variant of Uncertain Significance. Algorithms developed to predict the effect of missense changes on protein structure and function are either unavailable or do not agree on the potential impact of this missense change (SIFT: "Deleterious"; PolyPhen-2: "Probably Damaging"; Align-GVGD: "Class C0"). ClinVar contains an entry for this variant (Variation ID: 943004). This variant has not been reported in the literature in individuals affected with KCNMA1-related conditions. This variant is present in population databases (rs777595748, gnomAD 0.009%). This sequence change replaces serine, which is neutral and polar, with phenylalanine, which is neutral and non-polar, at codon 1135 of the KCNMA1 protein (p.Ser1135Phe).